The following is an entry in ClinVar:

NM_000266.4(NDP):c.122G>A (p.Arg41Lys)

Genes: NDP (norrin cystine knot growth factor NDP; minus strand), NDP-AS1 (NDP antisense RNA 1; plus strand). Cytogenetic location: Xp11.3.
Variant type: single nucleotide variant.
Coding change: c.122G>A on transcript NM_000266.4 (MANE Select); coding-DNA position 122, G replaced by A.
Protein change: p.Arg41Lys; replaces arginine 41 with lysine.
Molecular consequence: missense variant.
Genome position (GRCh38, 1-based): chrX:43,958,524, C>T on the plus strand (G>A on the coding strand, the complement: NDP is on the minus strand). VCF-style: chrX-43958524-C-T. GRCh37 (hg19) VCF-style: chrX-43817770-C-T.
Other names: short protein forms R41K.
Identifiers: ClinVar variation 4710743 (VCV004710743.1).

ClinVar aggregate classification (germline): Pathogenic (1 of 4 stars; one submission).

Submission:

Labcorp Genetics (formerly Invitae), Labcorp
Classification: Pathogenic. Last evaluated: 2025-06-16. Review status: criteria provided, single submitter. Criteria: Invitae Variant Classification Sherloc (09022015). Collection method: clinical testing. Allele origin: germline.
Comment: This sequence change replaces arginine, which is basic and polar, with lysine, which is basic and polar, at codon 41 of the NDP protein (p.Arg41Lys). This variant is not present in population databases (gnomAD no frequency). This missense change has been observed in individual(s) with familial exudative vitreoretinopathy (PMID: 9143917, 34582765). In at least one individual the variant was observed to be de novo. It has also been observed to segregate with disease in related individuals. Invitae Evidence Modeling of protein sequence and biophysical properties (such as structural, functional, and spatial information, amino acid conservation, physicochemical variation, residue mobility, and thermodynamic stability) has been performed for this missense variant. However, the output from this modeling did not meet the statistical confidence thresholds required to predict the impact of this variant on NDP protein function. Experimental studies have shown that this missense change affects NDP function (PMID: 17955262). For these reasons, this variant has been classified as Pathogenic.

Literature cited by the submitters: PubMed 9143917; PubMed 34582765; PubMed 17955262.